The following is an entry in ClinVar:

NM_001288705.3(CSF1R):c.1084C>T (p.His362Tyr)

Gene: CSF1R (colony stimulating factor 1 receptor; minus strand). Cytogenetic location: 5q32.
Variant type: single nucleotide variant.
Coding change: c.1084C>T on transcript NM_001288705.3 (MANE Select); coding-DNA position 1084, C replaced by T.
Protein change: p.His362Tyr; replaces histidine 362 with tyrosine.
Molecular consequence: missense variant. On other transcripts: non-coding transcript variant (2).
Genome position (GRCh38, 1-based): chr5:150,070,570, G>A on the plus strand (C>T on the coding strand, the complement: CSF1R is on the minus strand). VCF-style: chr5-150070570-G-A. GRCh37 (hg19) VCF-style: chr5-149450133-G-A.
Other names: c.1084C>T, p.His362Tyr (NM_001349736.2, NM_001375320.1, NM_005211.4); c.640C>T, p.His214Tyr (NM_001375321.1); short protein forms H362Y, H214Y.
Identifiers: ClinVar variation 1484587 (VCV001484587.6), dbSNP rs1272581720, ClinGen allele CA361722739.

ClinVar aggregate classification (germline): Uncertain significance (1 of 4 stars; one submission).

Allele frequency attached by ClinVar (database versions not stated): gnomAD exomes 0.00002; gnomAD 0.00003; TOPMed 0.00005.
gnomAD v4.1: 27 of 1,513,898 alleles (0.0018%); highest among the groups gnomAD compares: East Asian, 0.044%; no homozygotes.

Submission:

Labcorp Genetics (formerly Invitae), Labcorp
Classification: Uncertain significance. Last evaluated: 2024-05-19. Review status: criteria provided, single submitter. Criteria: Invitae Variant Classification Sherloc (09022015). Collection method: clinical testing. Allele origin: germline.
Comment: This sequence change replaces histidine, which is basic and polar, with tyrosine, which is neutral and polar, at codon 362 of the CSF1R protein (p.His362Tyr). The frequency data for this variant in the population databases is considered unreliable, as metrics indicate poor data quality at this position in the gnomAD database. This variant has not been reported in the literature in individuals affected with CSF1R-related conditions. ClinVar contains an entry for this variant (Variation ID: 1484587). Algorithms developed to predict the effect of missense changes on protein structure and function output the following: SIFT: "Not Available"; PolyPhen-2: "Benign"; Align-GVGD: "Not Available". The tyrosine amino acid residue is found in multiple mammalian species, which suggests that this missense change does not adversely affect protein function. In summary, the available evidence is currently insufficient to determine the role of this variant in disease. Therefore, it has been classified as a Variant of Uncertain Significance.